The following is an entry in ClinVar:

ClinVar aggregate classification (germline): Uncertain significance (1 of 4 stars; one submission).

Conditions:
Ataxia-telangiectasia syndrome (AT). Also called: Cerebello-oculocutaneous telangiectasia; Immunodeficiency with ataxia telangiectasia; Ataxia telangiectasia (A-T); LOUIS-BAR SYNDROME; ATAXIA-TELANGIECTASIA, COMPLEMENTATION GROUP A; ATAXIA-TELANGIECTASIA, FRESNO VARIANT. Identifiers: Orphanet 100, MedGen C0004135, MONDO:0008840, OMIM 208900.

Submission:

Labcorp Genetics (formerly Invitae), Labcorp
Classification: Uncertain significance for Ataxia-telangiectasia syndrome. Last evaluated: 2025-05-05. Review status: criteria provided, single submitter. Criteria: Invitae Variant Classification Sherloc (09022015). Collection method: clinical testing. Allele origin: germline.
Comment: This sequence change replaces valine, which is neutral and non-polar, with leucine, which is neutral and non-polar, at codon 1153 of the ATM protein (p.Val1153Leu). This variant is not present in population databases (gnomAD no frequency). This variant has not been reported in the literature in individuals affected with ATM-related conditions. ClinVar contains an entry for this variant (Variation ID: 216201). Invitae Evidence Modeling of protein sequence and biophysical properties (such as structural, functional, and spatial information, amino acid conservation, physicochemical variation, residue mobility, and thermodynamic stability) indicates that this missense variant is not expected to disrupt ATM protein function with a negative predictive value of 95%. In summary, the available evidence is currently insufficient to determine the role of this variant in disease. Therefore, it has been classified as a Variant of Uncertain Significance.

NM_000051.4(ATM):c.3457G>C (p.Val1153Leu)

Gene: ATM (ATM serine/threonine kinase; plus strand). Cytogenetic location: 11q22.3.
Variant type: single nucleotide variant.
Coding change: c.3457G>C on transcript NM_000051.4 (MANE Select); coding-DNA position 3457, G replaced by C.
Protein change: p.Val1153Leu; replaces valine 1153 with leucine.
Molecular consequence: missense variant.
Genome position (GRCh38, 1-based): chr11:108,281,049, G>C. VCF-style: chr11-108281049-G-C. GRCh37 (hg19) VCF-style: chr11-108151776-G-C.
Other names: c.3457G>C, p.Val1153Leu (NM_001351834.2); short protein forms V1153L.
Identifiers: ClinVar variation 216201 (VCV000216201.7), dbSNP rs863224562, ClinGen allele CA335757.